The following is an entry in ClinVar:

ClinVar aggregate classification (germline): Uncertain significance (1 of 4 stars; one submission).

Submission:

Labcorp Genetics (formerly Invitae), Labcorp
Classification: Uncertain significance. Last evaluated: 2022-02-08. Review status: criteria provided, single submitter. Criteria: Invitae Variant Classification Sherloc (09022015). Collection method: clinical testing. Allele origin: germline.
Comment: This sequence change replaces lysine, which is basic and polar, with threonine, which is neutral and polar, at codon 591 of the CPLANE1 protein (p.Lys591Thr). This variant is not present in population databases (gnomAD no frequency). This variant has not been reported in the literature in individuals affected with CPLANE1-related conditions. Algorithms developed to predict the effect of missense changes on protein structure and function are either unavailable or do not agree on the potential impact of this missense change (SIFT: "Deleterious"; PolyPhen-2: "Probably Damaging"; Align-GVGD: "Class C0"). In summary, the available evidence is currently insufficient to determine the role of this variant in disease. Therefore, it has been classified as a Variant of Uncertain Significance.

NM_001384732.1(CPLANE1):c.1772A>C (p.Lys591Thr)

Gene: CPLANE1 (ciliogenesis and planar polarity effector complex subunit 1; minus strand). Cytogenetic location: 5p13.2.
Variant type: single nucleotide variant.
Coding change: c.1772A>C on transcript NM_001384732.1 (MANE Select); coding-DNA position 1772, A replaced by C.
Protein change: p.Lys591Thr; replaces lysine 591 with threonine.
Molecular consequence: missense variant.
Genome position (GRCh38, 1-based): chr5:37,226,823, T>G on the plus strand (A>C on the coding strand, the complement: CPLANE1 is on the minus strand). VCF-style: chr5-37226823-T-G. GRCh37 (hg19) VCF-style: chr5-37226925-T-G.
Other names: c.1772A>C, p.Lys591Thr (NM_023073.4); short protein forms K591T.
Identifiers: ClinVar variation 2094593 (VCV002094593.4), dbSNP rs2548586725, ClinGen allele CA359499708.
Genomic context (GRCh38, chr5:37,226,823, plus strand): 5'-AATTGAAGAATGTAAAAAAAATGAGTGATACAAACTACTATGTAATTTAACATTAAATTT[T>G]TTTCTGTCACAGTTTTTGAAATTCCTATAGTCCACGCTGCAAGTAGACTTTTCTGGATAG-3'
Protein context (NP_001371661.1, residues 581-601): TIGISKTVTE[Lys591Thr]NLMLNYIVVC